The following is an entry in ClinVar:

ClinVar aggregate classification (germline): Uncertain significance. Review status: criteria provided, multiple submitters, no conflicts (2 of 4 stars). 2 submissions from 2 submitters: Uncertain significance (2). Last evaluated 2021-11-10.

Conditions:
Finnish congenital nephrotic syndrome (NPHS1). Also called: NEPHROTIC SYNDROME, TYPE 1. Identifiers: Orphanet 839, MedGen C0403399, MONDO:0009732, OMIM 256300.

Allele frequency attached by ClinVar (database versions not stated): 1000 Genomes Project 30x 0.00016; 1000 Genomes Project 0.00020; ESP Exome Variant Server 0.00023.
gnomAD v4.1: 479 of 1,613,900 alleles (0.03%); highest among the groups gnomAD compares: Non-Finnish European, 0.039%; no homozygotes.

Submissions (2):

Fulgent Genetics
Classification: Uncertain significance for Finnish congenital nephrotic syndrome. Last evaluated: 2021-11-10. Review status: criteria provided, single submitter. Criteria: ACMG Guidelines, 2015. Collection method: clinical testing. Allele origin: unknown.

Labcorp Genetics (formerly Invitae), Labcorp
Classification: Uncertain significance. Last evaluated: 2021-10-29. Review status: criteria provided, single submitter. Criteria: Invitae Variant Classification Sherloc (09022015). Collection method: clinical testing. Allele origin: germline.
Comment: This sequence change falls in intron 17 of the NPHS1 gene. It does not directly change the encoded amino acid sequence of the NPHS1 protein. This variant is present in population databases (rs142316130, gnomAD 0.03%). This variant has not been reported in the literature in individuals affected with NPHS1-related conditions. Algorithms developed to predict the effect of sequence changes on RNA splicing suggest that this variant may create or strengthen a splice site. In summary, the available evidence is currently insufficient to determine the role of this variant in disease. Therefore, it has been classified as a Variant of Uncertain Significance.

NM_004646.4(NPHS1):c.2335-11T>A

Gene: NPHS1 (NPHS1 adhesion molecule, nephrin; minus strand). Cytogenetic location: 19q13.12.
Variant type: single nucleotide variant.
Coding change: c.2335-11T>A on transcript NM_004646.4 (MANE Select); 11 bases into the intron before coding-DNA position 2335, T replaced by A.
Molecular consequence: intron variant.
Genome position (GRCh38, 1-based): chr19:35,842,561, A>T on the plus strand (T>A on the coding strand, the complement: NPHS1 is on the minus strand). VCF-style: chr19-35842561-A-T. GRCh37 (hg19) VCF-style: chr19-36333463-A-T.
Identifiers: ClinVar variation 1359980 (VCV001359980.4), dbSNP rs142316130, ClinGen allele CA9390153.